The following is an entry in ClinVar:

NM_033198.4(PIGS):c.1407A>G (p.Val469=)

Gene: PIGS (phosphatidylinositol glycan anchor biosynthesis class S; minus strand). Cytogenetic location: 17q11.2.
Variant type: single nucleotide variant.
Coding change: c.1407A>G on transcript NM_033198.4 (MANE Select); coding-DNA position 1407, A replaced by G.
Protein change: p.Val469=; no amino-acid change (valine 469 retained).
Molecular consequence: synonymous variant.
Genome position (GRCh38, 1-based): chr17:28,554,481, T>C on the plus strand (A>G on the coding strand, the complement: PIGS is on the minus strand). VCF-style: chr17-28554481-T-C. GRCh37 (hg19) VCF-style: chr17-26881499-T-C.
Identifiers: ClinVar variation 1694836 (VCV001694836.31), dbSNP rs2151511094, ClinGen allele CA499424047.

ClinVar aggregate classification (germline): Likely benign (1 of 4 stars; one submission).

Submission:

CeGaT Center for Human Genetics Tuebingen
Classification: Likely benign. Last evaluated: 2022-06-01. Review status: criteria provided, single submitter. Criteria: CeGaT Center For Human Genetics Tuebingen Variant Classification Criteria Version 2. Collection method: clinical testing. Allele origin: germline. Affected: yes. Observed: 1 variant allele.
Comment: PIGS: PM2:Supporting, BP4, BP7